The following is an entry in ClinVar:

NM_017563.5(IL17RD):c.1840G>A (p.Gly614Arg)

Genes: IL17RD (interleukin 17 receptor D; minus strand), LOC126806689 (BRD4-independent group 4 enhancer GRCh37_chr3:57131244-57132443; plus strand). Cytogenetic location: 3p14.3.
Variant type: single nucleotide variant.
Coding change: c.1840G>A on transcript NM_017563.5 (MANE Select); coding-DNA position 1840, G replaced by A.
Protein change: p.Gly614Arg; replaces glycine 614 with arginine.
Molecular consequence: missense variant.
Genome position (GRCh38, 1-based): chr3:57,097,863, C>T on the plus strand (G>A on the coding strand, the complement: IL17RD is on the minus strand). VCF-style: chr3-57097863-C-T. GRCh37 (hg19) VCF-style: chr3-57131891-C-T.
Other names: c.1408G>A, p.Gly470Arg (NM_001318864.2); short protein forms G470R, G614R.
Identifiers: ClinVar variation 1185772 (VCV001185772.2), dbSNP rs765937234, ClinGen allele CA2462647.

ClinVar aggregate classification (germline): Uncertain significance (1 of 4 stars; one submission).

Allele frequency attached by ClinVar (database versions not stated): gnomAD exomes 0.00001.
gnomAD v4.1: 18 of 1,613,468 alleles (0.0011%); highest among the groups gnomAD compares: South Asian, 0.012%; no homozygotes.

Submission:

GeneDx
Classification: Uncertain significance. Last evaluated: 2018-12-18. Review status: criteria provided, single submitter. Criteria: GeneDx Variant Classification Process June 2021. Collection method: clinical testing. Allele origin: germline. Affected: yes.
Comment: In silico analysis, which includes protein predictors and evolutionary conservation, supports that this variant does not alter protein structure/function; Has not been previously published as pathogenic or benign to our knowledge